The following is an entry in ClinVar:

NM_130837.3(OPA1):c.790G>A (p.Val264Met)

Gene: OPA1 (OPA1 mitochondrial dynamin like GTPase; plus strand). Cytogenetic location: 3q29.
Variant type: single nucleotide variant.
Coding change: c.790G>A on transcript NM_130837.3 (MANE Select); coding-DNA position 790, G replaced by A.
Protein change: p.Val264Met; replaces valine 264 with methionine.
Molecular consequence: missense variant.
Genome position (GRCh38, 1-based): chr3:193,631,612, G>A. VCF-style: chr3-193631612-G-A. GRCh37 (hg19) VCF-style: chr3-193349401-G-A.
Other names: c.256G>A, p.Val86Met (NM_001354663.2); c.253G>A, p.Val85Met (NM_001354664.2); c.625G>A, p.Val209Met (NM_015560.3); c.517G>A, p.Val173Met (NM_130831.3); c.571G>A, p.Val191Met (NM_130832.3); c.628G>A, p.Val210Met (NM_130833.3); c.679G>A, p.Val227Met (NM_130834.3); c.682G>A, p.Val228Met (NM_130835.3); and 1 more; short protein forms V210M, V227M, V264M, V86M, V173M, V228M, V246M, V209M.
Identifiers: ClinVar variation 1367971 (VCV001367971.8), dbSNP rs1385422732, ClinGen allele CA355785841.

ClinVar aggregate classification (germline): Uncertain significance (1 of 4 stars; one submission).

Allele frequency attached by ClinVar (database versions not stated): gnomAD exomes below 0.00001; TOPMed below 0.00001.
gnomAD v4.1: 4 of 1,604,104 alleles (0.00025%); highest among the groups gnomAD compares: South Asian, 0.0033%; no homozygotes.

Submission:

Labcorp Genetics (formerly Invitae), Labcorp
Classification: Uncertain significance. Last evaluated: 2022-07-11. Review status: criteria provided, single submitter. Criteria: Invitae Variant Classification Sherloc (09022015). Collection method: clinical testing. Allele origin: germline.
Comment: In summary, the available evidence is currently insufficient to determine the role of this variant in disease. Therefore, it has been classified as a Variant of Uncertain Significance. Algorithms developed to predict the effect of sequence changes on RNA splicing suggest that this variant may disrupt the consensus splice site. Algorithms developed to predict the effect of missense changes on protein structure and function (SIFT, PolyPhen-2, Align-GVGD) all suggest that this variant is likely to be tolerated. ClinVar contains an entry for this variant (Variation ID: 1367971). This variant has not been reported in the literature in individuals affected with OPA1-related conditions. This variant is present in population databases (no rsID available, gnomAD 0.003%). This sequence change replaces valine, which is neutral and non-polar, with methionine, which is neutral and non-polar, at codon 209 of the OPA1 protein (p.Val209Met).